The following is an entry in ClinVar:

ClinVar aggregate classification (germline): Likely benign (1 of 4 stars; one submission).

gnomAD v4.1: 76 of 1,607,898 alleles (0.0047%); highest among the groups gnomAD compares: Middle Eastern, 0.27%; no homozygotes.

Submission:

CeGaT Center for Human Genetics Tuebingen
Classification: Likely benign. Last evaluated: 2026-06-01. Review status: criteria provided, single submitter. Criteria: CeGaT Center For Human Genetics Tuebingen Variant Classification Criteria Version 2. Collection method: clinical testing. Allele origin: germline. Affected: yes. Observed: 1 variant allele.
Comment: CHKA: BP4, BP7

NM_001277.3(CHKA):c.639A>G (p.Arg213=)

Gene: CHKA (choline kinase alpha; minus strand). Cytogenetic location: 11q13.2.
Variant type: single nucleotide variant.
Coding change: c.639A>G on transcript NM_001277.3 (MANE Select); coding-DNA position 639, A replaced by G.
Protein change: p.Arg213=; no amino-acid change (arginine 213 retained).
Molecular consequence: synonymous variant. On other transcripts: non-coding transcript variant (1).
Genome position (GRCh38, 1-based): chr11:68,070,849, T>C on the plus strand (A>G on the coding strand, the complement: CHKA is on the minus strand). VCF-style: chr11-68070849-T-C. GRCh37 (hg19) VCF-style: chr11-67838316-T-C.
Other names: c.669A>G, p.Arg223= (NM_001376219.1); c.525A>G, p.Arg175= (NM_001376220.1); c.273A>G, p.Arg91= (NM_001376221.1); c.219A>G, p.Arg73= (NM_001376222.1); c.585A>G, p.Arg195= (NM_212469.2).
Identifiers: ClinVar variation 5038749 (VCV005038749.1).